The following is an entry in ClinVar:

NM_003919.3(SGCE):c.810G>A (p.Trp270Ter)

Genes: CASD1 (CAS1 domain sialic acid O acetyltransferase 1; plus strand), SGCE (sarcoglycan epsilon; minus strand). Cytogenetic location: 7q21.3.
Variant type: single nucleotide variant.
Coding change: c.810G>A on transcript NM_003919.3 (MANE Select); coding-DNA position 810, G replaced by A.
Protein change: p.Trp270Ter; replaces tryptophan 270 with a stop codon.
Molecular consequence: nonsense.
Genome position (GRCh38, 1-based): chr7:94,603,305, C>T on the plus strand (G>A on the coding strand, the complement: SGCE is on the minus strand). VCF-style: chr7-94603305-C-T. GRCh37 (hg19) VCF-style: chr7-94232617-C-T.
Other names: c.810G>A, p.Trp270Ter (NM_001099400.2, NM_001099401.2, NM_001346717.2); c.687G>A, p.Trp229Ter (NM_001301139.2, NM_001362809.2); c.918G>A, p.Trp306Ter (NM_001346713.2, NM_001346715.2); c.723G>A, p.Trp241Ter (NM_001346719.2, NM_001362807.2); c.537G>A, p.Trp179Ter (NM_001346720.2, NM_001362808.2); short protein forms W270*, W179*, W306*, W229*, W241*.
Identifiers: ClinVar variation 624290 (VCV000624290.47), dbSNP rs1562811414, ClinGen allele CA368231819.

ClinVar aggregate classification (germline): Pathogenic/Likely pathogenic. Review status: criteria provided, multiple submitters, no conflicts (2 of 4 stars). 4 submissions from 4 submitters: Pathogenic (3); Likely pathogenic (1). Last evaluated 2024-11-27.

Conditions:
Myoclonic dystonia 11 (DYT11). Also called: DYT-SGCE; Myoclonic dystonia; Dystonia 11; Dystonia, alcohol responsive; Hereditary essential myoclonus; SGCE Myoclonus-Dystonia. Identifiers: Orphanet 36899, MedGen C1834570, MONDO:0008044, OMIM 159900.

Allele frequency attached by ClinVar (database versions not stated): gnomAD exomes below 0.00001.
gnomAD v4.1: 1 of 1,612,228 alleles (0.000062%); highest among the groups gnomAD compares: Non-Finnish European, 0.000085%; no homozygotes.

Submissions (4):

Institute of Human Genetics, University of Leipzig Medical Center
Classification: Pathogenic for Myoclonic dystonia 11. Last evaluated: 2024-11-27. Review status: criteria provided, single submitter. Criteria: ACMG Guidelines, 2015. Collection method: clinical testing. Allele origin: unknown. Inheritance: Autosomal dominant inheritance. Affected: yes.
Comment: Criteria applied: PVS1,PM2_SUP,PP4

Victorian Clinical Genetics Services, Murdoch Childrens Research Institute
Classification: Pathogenic for Myoclonic dystonia 11. Last evaluated: 2021-05-06. Review status: criteria provided, single submitter. Criteria: ACMG Guidelines, 2015. Collection method: clinical testing. Allele origin: germline. Inheritance: Autosomal dominant inheritance. Affected: yes.
Comment: Based on the classification scheme VCGS_Germline_v1.3.4, this variant is classified as Pathogenic. Following criteria are met: 0102 - Loss of function is a known mechanism of disease in this gene and is associated with myoclonic dystonia-11 (MIM#159900). (I) 0107 - This gene is associated with autosomal dominant disease. (I) 0113 - This gene is known to be imprinted. This gene is maternally imprinted, and therefore only paternally inherited variants are expressed (OMIM, PMID: 19117361). (I) 0115 - Variants in this gene are known to have intrafamilial variable expressivity (PMID: 32955639). (I) 0201 - Variant is predicted to cause nonsense-mediated decay (NMD) and loss of protein (premature termination codon is located at least 54 nucleotides upstream of the final exon-exon junction). (SP) 0251 - This variant is heterozygous. (I) 0301 - Variant is absent from gnomAD (both v2 and v3). (SP) 0701 - Other NMD-predicted variants comparable to the one identified in this case have very strong previous evidence for pathogenicity. These variants have been reported many times as pathogenic, and observed in patients with myoclonus dystonia (PMID: 19117361, Decipher). (SP) 0802 - This variant has moderate previous evidence of pathogenicity in unrelated individuals. This variant has been reported as likely pathogenic and pathogenic, and was paternally inherited in two patients with myoclonus-dystonia syndrome (ClinVar, PMID: 18759336, PMID: 17853490). (SP) 1007 - No published functional evidence has been identified for this variant. (I) Legend: (SP) - Supporting pathogenic, (I) - Information, (SB) - Supporting benign

Labcorp Genetics (formerly Invitae), Labcorp
Classification: Pathogenic for Myoclonic dystonia. Last evaluated: 2018-11-14. Review status: criteria provided, single submitter. Criteria: Invitae Variant Classification Sherloc (09022015). Collection method: clinical testing. Allele origin: germline.
Comment: This sequence change creates a premature translational stop signal (p.Trp270*) in the SGCE gene. It is expected to result in an absent or disrupted protein product. This variant is not present in population databases (ExAC no frequency). This variant has been observed in an individual affected with myoclonus dystonia (PMID:Â¬â€ 17853490). Loss-of-function variants in SGCE are known to be pathogenic (PMID: 12821748, 15389977, 17853490, 24297365). For these reasons, this variant has been classified as Pathogenic.

CeGaT Center for Human Genetics Tuebingen
Classification: Likely pathogenic. Last evaluated: 2018-09-01. Review status: criteria provided, single submitter. Criteria: CeGaT Center For Human Genetics Tuebingen Variant Classification Criteria Version 2. Collection method: clinical testing. Allele origin: germline. Affected: yes. Observed: 1 variant allele.

Literature cited by the submitters: PubMed 17853490 (cited by Victorian Clinical Genetics Services, Murdoch Childrens Research Institute); PubMed 18759336 (cited by Victorian Clinical Genetics Services, Murdoch Childrens Research Institute); PubMed 19117361 (cited by Victorian Clinical Genetics Services, Murdoch Childrens Research Institute); PubMed 32955639 (cited by Victorian Clinical Genetics Services, Murdoch Childrens Research Institute).